The following is an entry in ClinVar:

ClinVar aggregate classification (germline): Pathogenic/Likely pathogenic. Review status: criteria provided, multiple submitters, no conflicts (2 of 4 stars). 2 submissions from 2 submitters: Pathogenic (1); Likely pathogenic (1). Last evaluated 2023-10-06.

Conditions:
ABCA4-related disorder. Also called: ABCA4-related disorders; ABCA4-related condition. Identifiers: MedGen CN239167.

gnomAD v4.1: 19 of 1,613,906 alleles (0.0012%); highest among the groups gnomAD compares: Non-Finnish European, 0.0014%; no homozygotes.

Submissions (2):

Labcorp Genetics (formerly Invitae), Labcorp
Classification: Pathogenic. Last evaluated: 2023-10-06. Review status: criteria provided, single submitter. Criteria: Invitae Variant Classification Sherloc (09022015). Collection method: clinical testing. Allele origin: germline.
Comment: This sequence change affects an acceptor splice site in intron 49 of the ABCA4 gene. While this variant is not anticipated to result in nonsense mediated decay, it likely alters RNA splicing and results in a disrupted protein product. This variant is not present in population databases (gnomAD no frequency). Disruption of this splice site has been observed in individuals with clinical features of Stargardt disease (PMID: 25312043, 29925512; Invitae). ClinVar contains an entry for this variant (Variation ID: 1455137). Variants that disrupt the consensus splice site are a relatively common cause of aberrant splicing (PMID: 17576681, 9536098). Algorithms developed to predict the effect of sequence changes on RNA splicing suggest that this variant may disrupt the consensus splice site. For these reasons, this variant has been classified as Pathogenic.

Blueprint Genetics
Classification: Likely pathogenic for ABCA4-related disorders. Last evaluated: 2021-10-26. Review status: criteria provided, single submitter. Criteria: ACMG Guidelines, 2015. Collection method: clinical testing. Allele origin: germline. Affected: yes. Observed: 1 variant allele.

Literature cited by the submitters: PubMed 25312043 (cited by Labcorp Genetics (formerly Invitae), Labcorp); PubMed 29925512 (cited by Labcorp Genetics (formerly Invitae), Labcorp); PubMed 17576681 (cited by Labcorp Genetics (formerly Invitae), Labcorp); PubMed 9536098 (cited by Labcorp Genetics (formerly Invitae), Labcorp).

NM_000350.3(ABCA4):c.6817-2A>C

Gene: ABCA4 (ATP binding cassette subfamily A member 4; minus strand). Cytogenetic location: 1p22.1.
Variant type: single nucleotide variant.
Coding change: c.6817-2A>C on transcript NM_000350.3 (MANE Select); the canonical splice acceptor site of the intron before coding-DNA position 6817, A replaced by C.
Molecular consequence: splice acceptor variant.
Genome position (GRCh38, 1-based): chr1:93,993,244, T>G on the plus strand (A>C on the coding strand, the complement: ABCA4 is on the minus strand). VCF-style: chr1-93993244-T-G. GRCh37 (hg19) VCF-style: chr1-94458800-T-G.
Identifiers: ClinVar variation 1455137 (VCV001455137.7), dbSNP rs1658918693, ClinGen allele CA341275659.
Genomic context (GRCh38, chr1:93,993,244, plus strand): 5'-CCTCCAGCTGCCCAGAGTTCCTTTCTGGCTGCAGGAACGAGCGGTGTGAAAGATCAGTCC[T>G]GTGGAAGGAGATCACATGGACTCGCGTCATCTTGGTTTTCTGAGATGCTGTACTACTTTT-3'